The following is an entry in ClinVar:

ClinVar aggregate classification (germline): Uncertain significance (1 of 4 stars; one submission).

gnomAD v4.1: 15 of 1,550,262 alleles (0.00097%); highest among the groups gnomAD compares: South Asian, 0.018%; no homozygotes.

Submission:

Labcorp Genetics (formerly Invitae), Labcorp
Classification: Uncertain significance. Last evaluated: 2024-02-26. Review status: criteria provided, single submitter. Criteria: Invitae Variant Classification Sherloc (09022015). Collection method: clinical testing. Allele origin: germline.
Comment: This sequence change replaces serine, which is neutral and polar, with phenylalanine, which is neutral and non-polar, at codon 2394 of the ZNF469 protein (p.Ser2394Phe). This variant is present in population databases (rs201540905, gnomAD 0.03%). This variant has not been reported in the literature in individuals affected with ZNF469-related conditions. Algorithms developed to predict the effect of missense changes on protein structure and function output the following: SIFT: "Not Available"; PolyPhen-2: "Probably Damaging"; Align-GVGD: "Not Available". The phenylalanine amino acid residue is found in multiple mammalian species, which suggests that this missense change does not adversely affect protein function. In summary, the available evidence is currently insufficient to determine the role of this variant in disease. Therefore, it has been classified as a Variant of Uncertain Significance.

NM_001367624.2(ZNF469):c.7265C>T (p.Ser2422Phe)

Gene: ZNF469 (zinc finger protein 469; plus strand). Cytogenetic location: 16q24.2.
Variant type: single nucleotide variant.
Coding change: c.7265C>T on transcript NM_001367624.2 (MANE Select); coding-DNA position 7265, C replaced by T.
Protein change: p.Ser2422Phe; replaces serine 2422 with phenylalanine.
Molecular consequence: missense variant.
Genome position (GRCh38, 1-based): chr16:88,434,735, C>T. VCF-style: chr16-88434735-C-T. GRCh37 (hg19) VCF-style: chr16-88501143-C-T.
Other names: short protein forms S2422F.
Identifiers: ClinVar variation 2982544 (VCV002982544.2), dbSNP rs201540905, ClinGen allele CA8225227.